The following is an entry in ClinVar:

NM_001374385.1(ATP8B1):c.2389C>T (p.Arg797Cys)

Genes: ATP8B1 (ATPase phospholipid transporting 8B1; minus strand), ATP8B1-AS1 (ATP8B1 antisense RNA 1; plus strand). Cytogenetic location: 18q21.31.
Variant type: single nucleotide variant.
Coding change: c.2389C>T on transcript NM_001374385.1 (MANE Select); coding-DNA position 2389, C replaced by T.
Protein change: p.Arg797Cys; replaces arginine 797 with cysteine.
Molecular consequence: missense variant.
Genome position (GRCh38, 1-based): chr18:57,662,512, G>A on the plus strand (C>T on the coding strand, the complement: ATP8B1 is on the minus strand). VCF-style: chr18-57662512-G-A. GRCh37 (hg19) VCF-style: chr18-55329744-G-A.
Other names: c.2239C>T, p.Arg747Cys (NM_001374386.1); c.2389C>T, p.Arg797Cys (NM_005603.6); short protein forms R747C, R797C.
Identifiers: ClinVar variation 4981182 (VCV004981182.1).

ClinVar aggregate classification (germline): Uncertain significance (1 of 4 stars; one submission).

Conditions:
ATP8B1-related disorder. Also called: ATP8B1-related disorders; ATP8B1-related condition.

gnomAD v4.1: 26 of 1,613,960 alleles (0.0016%); highest among the groups gnomAD compares: South Asian, 0.0044%; no homozygotes.

Submission:

PreventionGenetics, part of Exact Sciences
Classification: Uncertain significance for ATP8B1-related condition. Last evaluated: 2025-05-24. Review status: criteria provided, single submitter. Criteria: ACMG Guidelines, 2015. Collection method: clinical testing. Allele origin: germline.
Comment: The ATP8B1 c.2389C>T variant is predicted to result in the amino acid substitution p.Arg797Cys. To our knowledge, this variant has not been reported in the literature. This variant is reported in 0.0015% of alleles in individuals of European (Non-Finnish) descent in gnomAD. At this time, the clinical significance of this variant is uncertain due to the absence of conclusive functional and genetic evidence.